The following is an entry in ClinVar:

NM_003052.5(SLC34A1):c.1174+1G>T

Gene: SLC34A1 (solute carrier family 34 member 1; plus strand). Cytogenetic location: 5q35.3.
Variant type: single nucleotide variant.
Coding change: c.1174+1G>T on transcript NM_003052.5 (MANE Select); the canonical splice donor site of the intron after coding-DNA position 1174, G replaced by T.
Molecular consequence: splice donor variant.
Genome position (GRCh38, 1-based): chr5:177,394,196, G>T. VCF-style: chr5-177394196-G-T. GRCh37 (hg19) VCF-style: chr5-176821197-G-T.
Identifiers: ClinVar variation 2956601 (VCV002956601.3), dbSNP rs765036417, ClinGen allele CA3580666.
Genomic context (GRCh38, chr5:177,394,196, plus strand): 5'-TGCTCAACTCCCTGCTCAAGGGCCAAGTGGCCAAGGTCATCCAGAAGGTCATCAATACGG[G>T]TGAGCTGCGAGCAGTTGACTGGGCAGGGCCACAGGATGGGCCTTTCCAGATCCTGCTAAG-3'

ClinVar aggregate classification (germline): Likely pathogenic (1 of 4 stars; one submission).

Allele frequency attached by ClinVar (database versions not stated): ExAC 0.00001.
gnomAD v4.1: 26 of 1,613,800 alleles (0.0016%); highest among the groups gnomAD compares: East Asian, 0.0022%; no homozygotes.

Submission:

Labcorp Genetics (formerly Invitae), Labcorp
Classification: Likely pathogenic. Last evaluated: 2023-03-14. Review status: criteria provided, single submitter. Criteria: Invitae Variant Classification Sherloc (09022015). Collection method: clinical testing. Allele origin: germline.
Comment: This variant is present in population databases (rs765036417, gnomAD 0.006%). In summary, the currently available evidence indicates that the variant is pathogenic, but additional data are needed to prove that conclusively. Therefore, this variant has been classified as Likely Pathogenic. Algorithms developed to predict the effect of sequence changes on RNA splicing suggest that this variant may disrupt the consensus splice site. Disruption of this splice site has been observed in individual(s) with clinical features of urinary stone disease (PMID: 34805638). This sequence change affects a donor splice site in intron 10 of the SLC34A1 gene. It is expected to disrupt RNA splicing. Variants that disrupt the donor or acceptor splice site typically lead to a loss of protein function (PMID: 16199547), and loss-of-function variants in SLC34A1 are known to be pathogenic (PMID: 26047794).

Literature cited by the submitters: PubMed 34805638; PubMed 16199547; PubMed 26047794.